The following is an entry in ClinVar:

ClinVar aggregate classification (germline): Uncertain significance. Review status: criteria provided, multiple submitters, no conflicts (2 of 4 stars). 2 submissions from 2 submitters: Uncertain significance (2). Last evaluated 2025-11-19.

Conditions:
Fanconi anemia (FA). Also called: Fanconi's anemia. Identifiers: Orphanet 84, MedGen C0015625, MeSH D005199, MONDO:0019391.

Submissions (2):

Dasa
Classification: Uncertain significance. Last evaluated: 2025-11-19. Review status: criteria provided, single submitter. Criteria: DASA Assertion Criteria. Collection method: clinical testing. Allele origin: germline.
Comment: NM_000135.4(FANCA):c.106_108del (p.Asn36del) is an in-frame deletion predicted to remove asparagine at protein position 36 without shifting the reading frame. This variant is absent from population databases. The currently available literature and clinical evidence are not sufficient to establish a definitive association between this variant and the reported condition. Therefore, this variant is classified as a variant of uncertain significance.

Labcorp Genetics (formerly Invitae), Labcorp
Classification: Uncertain significance for Fanconi anemia. Last evaluated: 2021-09-02. Review status: criteria provided, single submitter. Criteria: Invitae Variant Classification Sherloc (09022015). Collection method: clinical testing. Allele origin: germline.
Comment: This variant, c.106_108del, results in the deletion of 1 amino acid(s) of the FANCA protein (p.Asn36del), but otherwise preserves the integrity of the reading frame. This variant is not present in population databases (ExAC no frequency). This variant has not been reported in the literature in individuals affected with FANCA-related conditions. Experimental studies and prediction algorithms are not available or were not evaluated, and the functional significance of this variant is currently unknown. In summary, the available evidence is currently insufficient to determine the role of this variant in disease. Therefore, it has been classified as a Variant of Uncertain Significance.

NM_000135.4(FANCA):c.106_108del (p.Asn36del)

Gene: FANCA (FA complementation group A; minus strand). Cytogenetic location: 16q24.3.
Variant type: Deletion.
Coding change: c.106_108del on transcript NM_000135.4 (MANE Select); coding-DNA positions 106 to 108, 3 bases deleted (AAT; older notation c.106_108delAAT).
Protein change: p.Asn36del; deletes asparagine 36.
Molecular consequence: inframe deletion.
Genome position (GRCh38, 1-based): chr16:89,815,958-89,815,960, ATT deleted on the plus strand (AAT on the coding strand, the reverse complement: FANCA is on the minus strand); deleting any 3 consecutive bases within chr16:89,815,958-89,815,962 gives the same sequence; the c. name uses the placement nearest the transcript's 3' end. VCF-style (leftmost placement, unchanged base first): chr16-89815957-GATT-G. GRCh37 (hg19) VCF-style: chr16-89882365-GATT-G.
Other names: c.106_108del (LRG_495t1); c.106_108del, p.Asn36del (NM_001018112.3, NM_001286167.3, NM_001351830.2); short protein forms N36del.
Identifiers: ClinVar variation 663631 (VCV000663631.8), dbSNP rs1598202748, ClinGen allele CA915949441.